The following is an entry in ClinVar:

NM_001267550.2(TTN):c.83407del (p.Val27803fs)

Genes: TTN (titin; minus strand), TTN-AS1 (TTN antisense RNA 1; plus strand). Cytogenetic location: 2q31.2.
Variant type: Deletion.
Coding change: c.83407del on transcript NM_001267550.2 (MANE Select); coding-DNA position 83407, one base deleted (G; older notation c.83407delG).
Protein change: p.Val27803fs; shifts the reading frame from valine 27803.
Molecular consequence: frameshift variant.
Genome position (GRCh38, 1-based): chr2:178,562,725, C deleted on the plus strand (G on the coding strand, the reverse complement: TTN is on the minus strand). VCF-style (leftmost placement, unchanged base first): chr2-178562724-AC-A. GRCh37 (hg19) VCF-style: chr2-179427451-AC-A.
Other names: c.75703delG (NM_133378.4); c.78484del, p.Val26162fs (NM_001256850.1); c.56212del, p.Val18738fs (NM_003319.4); c.75703del, p.Val25235fs (NM_133378.4); c.56587del, p.Val18863fs (NM_133432.3); c.56788del, p.Val18930fs (NM_133437.4); short protein forms V18930fs, V26162fs, V18738fs, V25235fs, V18863fs, V27803fs.
Identifiers: ClinVar variation 179311 (VCV000179311.5), dbSNP rs727504782, ClinGen allele CA273613.

ClinVar aggregate classification (germline): Likely pathogenic (1 of 4 stars; one submission).

Conditions:
Primary dilated cardiomyopathy (DCM). Also called: Dilated Cardiomyopathy. Identifiers: Orphanet 217604, MedGen C0007193, MeSH D002311, MONDO:0005021, HP:0001644. Inheritance: Various modes of inheritance.

Submission:

Laboratory for Molecular Medicine, Mass General Brigham Personalized Medicine
Classification: Likely pathogenic for Primary dilated cardiomyopathy. Last evaluated: 2013-09-26. Review status: criteria provided, single submitter. Criteria: LMM Criteria. Collection method: clinical testing. Allele origin: germline. Inheritance: Autosomal dominant inheritance. Observed: 1 variant allele.
Comment: The Val25235fs variant in TTN has not been reported in individuals with cardiomy opathy or in large population studies. This frameshift variant is predicted to a lter the protein?s amino acid sequence beginning at position 25235 and lead to a premature termination codon 68 amino acids downstream. This alteration is then predicted to lead to a truncated or absent protein. Frameshift and other truncat ing variants in TTN are strongly associated with DCM and the majority occur in t he A-band (Herman 2012, LMM unpublished data), where this variant is located. In summary, the predicted impact of this variant suggests that it is likely to be pathogenic, but additional studies are required to fully establish its clinical significance.